The following is an entry in ClinVar:

NM_033305.3(VPS13A):c.4446dup (p.Asp1483fs)

Gene: VPS13A (vacuolar protein sorting 13 homolog A; plus strand). Cytogenetic location: 9q21.2.
Variant type: Duplication.
Coding change: c.4446dup on transcript NM_033305.3 (MANE Select); coding-DNA position 4446, one base duplicated (A; older notation c.4446dupA).
Protein change: p.Asp1483fs; shifts the reading frame from aspartic acid 1483.
Molecular consequence: frameshift variant.
Genome position (GRCh38, 1-based): chr9:77,315,286, A duplicated; the last of 6 consecutive A bases (chr9:77,315,281-77,315,286); duplicating any one gives the same sequence. VCF-style (leftmost placement, unchanged base first): chr9-77315280-C-CA. GRCh37 (hg19) VCF-style: chr9-79930196-C-CA.
Other names: c.4329dup, p.Asp1444fs (NM_001018037.2); c.4446dup, p.Asp1483fs (NM_001018038.3, NM_015186.4); short protein forms D1483fs, D1444fs.
Identifiers: ClinVar variation 950352 (VCV000950352.9), dbSNP rs1829322194, ClinGen allele CA1139661007.

ClinVar aggregate classification (germline): Pathogenic/Likely pathogenic. Review status: criteria provided, multiple submitters, no conflicts (2 of 4 stars). 3 submissions from 3 submitters: Pathogenic (2); Likely pathogenic (1). Last evaluated 2024-05-14.

Conditions:
VPS13A-related neurodegenerative disease. Also called: Choreoacanthocytosis; Chorea-acanthocytosis; Choreaacanthocytosis; LEVINE-CRITCHLEY SYNDROME; VPS13A Disease; ACANTHOCYTOSIS WITH NEUROLOGIC DISORDER. Identifiers: Orphanet 2388, MedGen C0393576, MONDO:0008695, OMIM 200150.

Submissions (3):

Myriad Genetics, Inc.
Classification: Pathogenic for VPS13A-related neurodegenerative disease. Last evaluated: 2024-05-14. Review status: criteria provided, single submitter. Criteria: Myriad Autosomal Dominant, Autosomal Recessive and X-Linked Classification Criteria (2023). Collection method: clinical testing. Allele origin: unknown.
Comment: NM_033305.2(VPS13A):c.4446dupA(D1483Rfs*17) is expected to be pathogenic in the context of VPS13A disease. This variant is predicted to lead to an abnormal or absent protein product due to the creation of a premature termination codon in VPS13A, a gene where loss-of-function variants are known to be pathogenic. Please note: this variant was assessed in the context of healthy population screening.

Neuberg Centre For Genomic Medicine, NCGM
Classification: Likely pathogenic for VPS13A-related neurodegenerative disease. Last evaluated: 2023-05-20. Review status: criteria provided, single submitter. Criteria: ACMG Guidelines, 2015. Collection method: clinical testing. Allele origin: germline. Inheritance: Autosomal recessive inheritance. Affected: yes.
Comment: The observed frameshift variant c.4446dup (p.Asp1483ArgfsTer17) in the VPS13A gene has not been reported previously as a pathogenic variant nor as a benign variant, to our knowledge. This variant is absent in the gnomAD Exomes. This variant causes a frameshift starting with codon Aspartic Acid 1483, changes this amino acid to Arginine residue, and creates a premature Stop codon at position 17 of the new reading frame, denoted p.Asp1483ArgfsTer17. It is submitted to ClinVar as Pathogenic. However no details are available for independent assessment. This variant is predicted to cause loss of normal protein function through protein truncation. Loss of function variants have been previously reported to be disease causing (Tomiyasu A, et al., 2011). For these reasons, this variant has been classified as Likely Pathogenic.

Labcorp Genetics (formerly Invitae), Labcorp
Classification: Pathogenic. Last evaluated: 2022-02-01. Review status: criteria provided, single submitter. Criteria: Invitae Variant Classification Sherloc (09022015). Collection method: clinical testing. Allele origin: germline.
Comment: For these reasons, this variant has been classified as Pathogenic. ClinVar contains an entry for this variant (Variation ID: 950352). This variant has not been reported in the literature in individuals affected with VPS13A-related conditions. This variant is not present in population databases (gnomAD no frequency). This sequence change creates a premature translational stop signal (p.Asp1483Argfs*17) in the VPS13A gene. It is expected to result in an absent or disrupted protein product. Loss-of-function variants in VPS13A are known to be pathogenic (PMID: 12404112, 21598378).

Literature cited by the submitters: PubMed 12404112 (cited by Labcorp Genetics (formerly Invitae), Labcorp); PubMed 21598378 (cited by Labcorp Genetics (formerly Invitae), Labcorp).